The following is an entry in ClinVar:

ClinVar aggregate classification (germline): Uncertain significance (1 of 4 stars; one submission).

Conditions:
Joubert syndrome 8 (JBTS8). Identifiers: Orphanet 475, MedGen C2676771, MONDO:0012855, OMIM 612291.

Allele frequency attached by ClinVar (database versions not stated): ExAC 0.00001; gnomAD exomes 0.00001; TOPMed 0.00001.

Submission:

Labcorp Genetics (formerly Invitae), Labcorp
Classification: Uncertain significance for Joubert syndrome 8. Last evaluated: 2022-07-20. Review status: criteria provided, single submitter. Criteria: Invitae Variant Classification Sherloc (09022015). Collection method: clinical testing. Allele origin: germline.
Comment: This sequence change replaces tyrosine, which is neutral and polar, with cysteine, which is neutral and slightly polar, at codon 90 of the ARL13B protein (p.Tyr90Cys). This variant is present in population databases (rs766151209, gnomAD 0.002%). This variant has not been reported in the literature in individuals affected with ARL13B-related conditions. Algorithms developed to predict the effect of missense changes on protein structure and function (SIFT, PolyPhen-2, Align-GVGD) all suggest that this variant is likely to be disruptive. In summary, the available evidence is currently insufficient to determine the role of this variant in disease. Therefore, it has been classified as a Variant of Uncertain Significance.

NM_001174150.2(ARL13B):c.269A>G (p.Tyr90Cys)

Gene: ARL13B (ARF like GTPase 13B; plus strand). Cytogenetic location: 3q11.2.
Variant type: single nucleotide variant.
Coding change: c.269A>G on transcript NM_001174150.2 (MANE Select); coding-DNA position 269, A replaced by G.
Protein change: p.Tyr90Cys; replaces tyrosine 90 with cysteine.
Molecular consequence: missense variant. On other transcripts: 5 prime UTR variant (1), intron variant (1).
Genome position (GRCh38, 1-based): chr3:94,003,797, A>G. VCF-style: chr3-94003797-A-G. GRCh37 (hg19) VCF-style: chr3-93722641-A-G.
Other names: c.-41A>G (NM_001174151.2); c.224A>G, p.Tyr75Cys (NM_001321328.2); c.269A>G, p.Tyr90Cys (NM_001410782.1, NM_182896.3); c.59+23315A>G (NM_144996.4); short protein forms Y90C, Y75C.
Identifiers: ClinVar variation 1966857 (VCV001966857.2), dbSNP rs766151209, ClinGen allele CA2503817.